The following is an entry in ClinVar:

ClinVar aggregate classification (germline): Uncertain significance (1 of 4 stars; one submission).

Conditions:
Very long chain acyl-CoA dehydrogenase deficiency (ACADVLD). Also called: VLCAD Deficiency; Very Long-Chain Acyl-Coenzyme A Dehydrogenase Deficiency. Identifiers: Orphanet 26793, MedGen C3887523, MONDO:0008723, OMIM 201475.

Allele frequency attached by ClinVar (database versions not stated): ExAC 0.00001; gnomAD 0.00001; gnomAD exomes 0.00001; TOPMed 0.00001.
gnomAD v4.1: 5 of 1,614,034 alleles (0.00031%); highest among the groups gnomAD compares: African/African-American, 0.0013%; no homozygotes.

Submission:

Labcorp Genetics (formerly Invitae), Labcorp
Classification: Uncertain significance for Very long chain acyl-CoA dehydrogenase deficiency. Last evaluated: 2022-07-26. Review status: criteria provided, single submitter. Criteria: Invitae Variant Classification Sherloc (09022015). Collection method: clinical testing. Allele origin: germline.
Comment: This sequence change falls in intron 8 of the ACADVL gene. It does not directly change the encoded amino acid sequence of the ACADVL protein. It affects a nucleotide within the consensus splice site. This variant is present in population databases (rs768041919, gnomAD 0.01%). This variant has not been reported in the literature in individuals affected with ACADVL-related conditions. ClinVar contains an entry for this variant (Variation ID: 641678). Variants that disrupt the consensus splice site are a relatively common cause of aberrant splicing (PMID: 17576681, 9536098). Algorithms developed to predict the effect of sequence changes on RNA splicing suggest that this variant may create or strengthen a splice site. In summary, the available evidence is currently insufficient to determine the role of this variant in disease. Therefore, it has been classified as a Variant of Uncertain Significance.

Literature cited by the submitters: PubMed 17576681; PubMed 9536098.

NM_000018.4(ACADVL):c.752+5C>T

Gene: ACADVL (acyl-CoA dehydrogenase very long chain; plus strand). Cytogenetic location: 17p13.1.
Variant type: single nucleotide variant.
Coding change: c.752+5C>T on transcript NM_000018.4 (MANE Select); 5 bases into the intron after coding-DNA position 752, C replaced by T.
Molecular consequence: intron variant.
Genome position (GRCh38, 1-based): chr17:7,222,086, C>T. VCF-style: chr17-7222086-C-T. GRCh37 (hg19) VCF-style: chr17-7125405-C-T.
Other names: c.821+5C>T (NM_001270447.2); c.524+5C>T (NM_001270448.2); c.686+5C>T (NM_001033859.3).
Identifiers: ClinVar variation 641678 (VCV000641678.4), dbSNP rs768041919, ClinGen allele CA8337825.
Genomic context (GRCh38, chr17:7,222,086, plus strand): 5'-GTGCCCAGCCCCTGTGGAAAATACTATACCCTCAATGGAAGCAAGCTTTGGATCAGGCAA[C>T]CTGCCTCCCATTTCTCCCCTTCTCCTCCGCCCAATTCCAGGCCCCACTGCTCCCCGTCCT-3'